The following is an entry in ClinVar:

NM_015294.6(TRIM37):c.1919G>A (p.Arg640His)

Gene: TRIM37 (tripartite motif containing 37; minus strand). Cytogenetic location: 17q22.
Variant type: single nucleotide variant.
Coding change: c.1919G>A on transcript NM_015294.6 (MANE Select); coding-DNA position 1919, G replaced by A.
Protein change: p.Arg640His; replaces arginine 640 with histidine.
Molecular consequence: missense variant. On other transcripts: non-coding transcript variant (2).
Genome position (GRCh38, 1-based): chr17:59,031,925, C>T on the plus strand (G>A on the coding strand, the complement: TRIM37 is on the minus strand). VCF-style: chr17-59031925-C-T. GRCh37 (hg19) VCF-style: chr17-57109286-C-T.
Other names: c.1184G>A, p.Arg395His (NM_001353083.2); c.1919G>A, p.Arg640His (NM_001353084.2, NM_001005207.5, NM_001320988.3 and 1 more transcripts); c.1457G>A, p.Arg486His (NM_001353085.2); c.1868G>A, p.Arg623His (NM_001353086.2); c.1817G>A, p.Arg606His (NM_001320987.3, NM_001353082.2); c.1553G>A, p.Arg518His (NM_001320990.3); short protein forms R640H, R486H, R518H, R606H, R623H, R395H.
Identifiers: ClinVar variation 281137 (VCV000281137.24), dbSNP rs112762655, ClinGen allele CA8678175.
Genomic context (GRCh38, chr17:59,031,925, plus strand): 5'-AAAAAGGAAATTATCATTGTTATTATTTTACCTGTGGGCTGCAGAAGTGAAGCAGGTGGG[C>T]GAGGCTGTAAGCCCCACAAATTTTCTATACTGCTCCGGTCCTTAAGGTCCAACAAATGTA-3'
Protein context (NP_056109.1, residues 630-650): SIENLWGLQP[Arg640His]PPASLLQPTA

ClinVar aggregate classification (germline): Conflicting classifications of pathogenicity. Review status: criteria provided, conflicting classifications (1 of 4 stars). 8 submissions from 8 submitters: Uncertain significance (1); Likely benign (4). 3 of the submissions do not count toward it. Last evaluated 2026-01-19.

Conditions:
TRIM37-related disorder. Also called: TRIM37-related condition.
Mulibrey nanism syndrome. Also called: MUSCLE-LIVER-BRAIN-EYE NANISM; PERHEENTUPA SYNDROME; PERICARDIAL CONSTRICTION AND GROWTH FAILURE. Identifiers: Orphanet 2576, MedGen C0524582, MONDO:0009664, OMIM 253250.

Allele frequency attached by ClinVar (database versions not stated): 1000 Genomes Project 0.00020; 1000 Genomes Project 30x 0.00031; ESP Exome Variant Server 0.00115; TOPMed 0.00123; gnomAD 0.00140.
gnomAD v4.1: 2,626 of 1,613,972 alleles (0.16%); highest among the groups gnomAD compares: Non-Finnish European, 0.2%; 4 homozygotes.

Submissions (8):

Labcorp Genetics (formerly Invitae), Labcorp
Classification: Likely benign. Last evaluated: 2026-01-19. Review status: criteria provided, single submitter. Criteria: Invitae Variant Classification Sherloc (09022015). Collection method: clinical testing. Allele origin: germline.

PreventionGenetics, part of Exact Sciences
Classification: Likely benign for TRIM37-related condition. Last evaluated: 2025-12-17. Review status: criteria provided, single submitter. Criteria: ACMG Guidelines, 2015. Collection method: clinical testing. Allele origin: germline.
Comment: This variant is classified as likely benign based on ACMG/AMP sequence variant interpretation guidelines (Richards et al. 2015 PMID: 25741868, with internal and published modifications).

Blueprint Genetics
Classification: Likely benign. Last evaluated: 2024-10-17. Review status: criteria provided, single submitter. Criteria: ACMG Guidelines, 2015. Collection method: clinical testing. Allele origin: germline.

Illumina Laboratory Services, Illumina
Classification: Likely benign for Mulibrey nanism syndrome. Last evaluated: 2018-01-13. Review status: criteria provided, single submitter. Criteria: ICSL Variant Classification Criteria 13 December 2019. Collection method: clinical testing. Allele origin: germline.
Comment: This variant was observed in the ICSL laboratory as part of a predisposition screen in an ostensibly healthy population. It had not been previously curated by ICSL or reported in the Human Gene Mutation Database (HGMD: prior to June 1st, 2018), and was therefore a candidate for classification through an automated scoring system. Utilizing variant allele frequency, disease prevalence and penetrance estimates, and inheritance mode, an automated score was calculated to assess if this variant is too frequent to cause the disease. Based on the score and internal cut-off values, a variant classified as likely benign is not then subjected to further curation. The score for this variant resulted in a classification of likely benign for this disease.

Eurofins Ntd Llc (ga)
Classification: Uncertain significance. Last evaluated: 2017-06-26. Review status: criteria provided, single submitter. Criteria: EGL Classification Definitions 2015. Collection method: clinical testing. Allele origin: germline. Observed: 4 variant alleles, 4 heterozygotes.

Clinical Genetics DNA and cytogenetics Diagnostics Lab, Erasmus MC, Erasmus Medical Center
Classification: Uncertain significance. Review status: no assertion criteria provided. Collection method: clinical testing. Allele origin: germline. Affected: yes. Study: VKGL Data-share Consensus. Not counted in ClinVar's aggregate classification.

Department of Pathology and Laboratory Medicine, Sinai Health System
Classification: Likely benign. Review status: no assertion criteria provided. Collection method: clinical testing. Allele origin: unknown. Affected: yes. Study: The Canadian Open Genetics Repository (COGR). Not counted in ClinVar's aggregate classification.
Comment: The TRIM37 p.Arg395His variant was not identified in the literature but was identified in dbSNP (ID: rs112762655), ClinVar (classified as a VUS by Illumina and EGL Genetics) and LOVD 3.0 (classified as a VUS). The variant was identified in control databases in 491 of 282714 chromosomes (1 homozygous) at a frequency of 0.001737 increasing the likelihood this could be a low frequency benign variant (Genome Aggregation Database Feb 27, 2017). The variant was observed in the following populations: European (non-Finnish) in 420 of 129088 chromosomes (freq: 0.003254), European (Finnish) in 45 of 25120 chromosomes (freq: 0.001791), Other in 8 of 7216 chromosomes (freq: 0.001109), African in 10 of 24964 chromosomes (freq: 0.000401), Latino in 7 of 35404 chromosomes (freq: 0.000198) and Ashkenazi Jewish in 1 of 10370 chromosomes (freq: 0.000096), but was not observed in the East Asian or South Asian populations. The p.Arg395 residue is conserved in mammals and computational analyses (PolyPhen-2, SIFT, AlignGVGD, BLOSUM, MutationTaster) provide inconsistent predictions regarding the impact to the protein; this information is not very predictive of pathogenicity. The variant occurs outside of the splicing consensus sequence and in silico or computational prediction software programs (SpliceSiteFinder, MaxEntScan, NNSPLICE, GeneSplicer) do not predict a difference in splicing. In summary, based on the above information the clinical significance of this variant cannot be determined with certainty at this time although we would lean towards a more benign role for this variant. This variant is classified as likely benign.

Laboratory of Diagnostic Genome Analysis, Leiden University Medical Center (LUMC)
Classification: Uncertain significance. Review status: no assertion criteria provided. Collection method: clinical testing. Allele origin: germline. Affected: yes. Study: VKGL Data-share Consensus. Not counted in ClinVar's aggregate classification.